The following is an entry in ClinVar:

ClinVar aggregate classification (germline): Pathogenic (1 of 4 stars; one submission).

Conditions:
Mendelian susceptibility to mycobacterial diseases due to complete IL12B deficiency. Also called: IL12B DEFICIENCY; Immunodeficiency 29. Identifiers: Orphanet 319558, MedGen C4013948, MONDO:0013954, OMIM 614890.

Allele frequency attached by ClinVar (database versions not stated): gnomAD exomes below 0.00001; TOPMed below 0.00001; gnomAD 0.00001.
gnomAD v4.1: 3 of 1,614,002 alleles (0.00019%); highest among the groups gnomAD compares: African/African-American, 0.0027%; no homozygotes.

Submission:

Labcorp Genetics (formerly Invitae), Labcorp
Classification: Pathogenic for Mendelian susceptibility to mycobacterial diseases due to complete IL12B deficiency. Last evaluated: 2021-02-26. Review status: criteria provided, single submitter. Criteria: Invitae Variant Classification Sherloc (09022015). Collection method: clinical testing. Allele origin: germline.
Comment: For these reasons, this variant has been classified as Pathogenic. This variant has not been reported in the literature in individuals with IL12B-related conditions. ClinVar contains an entry for this variant (Variation ID: 970534). This variant is not present in population databases (ExAC no frequency). This sequence change creates a premature translational stop signal (p.Cys300*) in the IL12B gene. It is expected to result in an absent or disrupted protein product. Loss-of-function variants in IL12B are known to be pathogenic (PMID: 11753820, 23429356).

Literature cited by the submitters: PubMed 11753820; PubMed 23429356.

NM_002187.3(IL12B):c.900C>A (p.Cys300Ter)

Gene: IL12B (interleukin 12B; minus strand). Cytogenetic location: 5q33.3.
Variant type: single nucleotide variant.
Coding change: c.900C>A on transcript NM_002187.3 (MANE Select); coding-DNA position 900, C replaced by A.
Protein change: p.Cys300Ter; replaces cysteine 300 with a stop codon.
Molecular consequence: nonsense.
Genome position (GRCh38, 1-based): chr5:159,316,772, G>T on the plus strand (C>A on the coding strand, the complement: IL12B is on the minus strand). VCF-style: chr5-159316772-G-T. GRCh37 (hg19) VCF-style: chr5-158743780-G-T.
Other names: short protein forms C300*.
Identifiers: ClinVar variation 970534 (VCV000970534.7), dbSNP rs1290071275, ClinGen allele CA362029537.
Genomic context (GRCh38, chr5:159,316,772, plus strand): 5'-GCTCCAAGATGAGCTATAGTAGCGGTCCTGGGCCCGCACGCTAATGCTGGCATTTTTGCG[G>T]CAGATGACCGTGGCTGAGGTCTTGTCCGTGAAGACTCTATCTTTCTGCAAAAGAGAAGGA-3'